The following is an entry in ClinVar:

ClinVar aggregate classification (germline): Likely benign (1 of 4 stars; one submission).

Submission:

Molecular Diagnostic Laboratory for Inherited Cardiovascular Disease, Montreal Heart Institute
Classification: Likely benign. Last evaluated: 2025-07-24. Review status: criteria provided, single submitter. Criteria: ACMG Guidelines, 2015. Collection method: clinical testing. Allele origin: germline. Affected: no.
Comment: BP7

NM_006073.4(TRDN):c.484+1217T>C

Gene: TRDN (triadin; minus strand). Cytogenetic location: 6q22.31.
Variant type: single nucleotide variant.
Coding change: c.484+1217T>C on transcript NM_006073.4 (MANE Select); 1217 bases into the intron after coding-DNA position 484, T replaced by C.
Molecular consequence: intron variant. On other transcripts: synonymous variant (1).
Genome position (GRCh38, 1-based): chr6:123,529,289, A>G on the plus strand (T>C on the coding strand, the complement: TRDN is on the minus strand). VCF-style: chr6-123529289-A-G. GRCh37 (hg19) VCF-style: chr6-123850434-A-G.
Other names: c.489T>C, p.Val163= (NM_001256022.2); c.484+1217T>C (NM_001407315.1, NM_001251987.2, NM_001256020.2 and 1 more transcripts).
Identifiers: ClinVar variation 4076429 (VCV004076429.1).